The following is an entry in ClinVar:

NM_013275.6(ANKRD11):c.3028G>T (p.Glu1010Ter)

Gene: ANKRD11 (ankyrin repeat domain 11; minus strand). Cytogenetic location: 16q24.3.
Variant type: single nucleotide variant.
Coding change: c.3028G>T on transcript NM_013275.6 (MANE Select); coding-DNA position 3028, G replaced by T.
Protein change: p.Glu1010Ter; replaces glutamic acid 1010 with a stop codon.
Molecular consequence: nonsense.
Genome position (GRCh38, 1-based): chr16:89,283,514, C>A on the plus strand (G>T on the coding strand, the complement: ANKRD11 is on the minus strand). VCF-style: chr16-89283514-C-A. GRCh37 (hg19) VCF-style: chr16-89349922-C-A.
Other names: c.3028G>T, p.Glu1010Ter (NM_001256182.2, NM_001256183.2); short protein forms E1010*.
Identifiers: ClinVar variation 3666461 (VCV003666461.2).

ClinVar aggregate classification (germline): Pathogenic (1 of 4 stars; one submission).

Conditions:
KBG syndrome (KBGS). Also called: ANKRD11-Related KBG Syndrome. Identifiers: Orphanet 2332, MedGen C0220687, MONDO:0007846, OMIM 148050.

Submission:

Labcorp Genetics (formerly Invitae), Labcorp
Classification: Pathogenic for KBG syndrome. Last evaluated: 2024-09-08. Review status: criteria provided, single submitter. Criteria: Invitae Variant Classification Sherloc (09022015). Collection method: clinical testing. Allele origin: germline.
Comment: This sequence change creates a premature translational stop signal (p.Glu1010*) in the ANKRD11 gene. It is expected to result in an absent or disrupted protein product. Loss-of-function variants in ANKRD11 are known to be pathogenic (PMID: 21782149, 25125236, 25413698, 25652421). This variant is not present in population databases (gnomAD no frequency). This variant has not been reported in the literature in individuals affected with ANKRD11-related conditions. For these reasons, this variant has been classified as Pathogenic.

Literature cited by the submitters: PubMed 21782149; PubMed 25125236; PubMed 25413698; PubMed 25652421.